The following is an entry in ClinVar:

ClinVar aggregate classification (germline): Uncertain significance (1 of 4 stars; one submission).

Conditions:
Intellectual disability, autosomal recessive 42 (NEDDSBA). Also called: GLYCOSYLPHOSPHATIDYLINOSITOL BIOSYNTHESIS DEFECT 9; Neurodevelopmental disorder with dysmorphic features, spasticity, and brain abnormalities. Identifiers: Orphanet 88616, MedGen C4014343, MONDO:0014348, OMIM 615802.

Allele frequency attached by ClinVar (database versions not stated): gnomAD exomes below 0.00001.
gnomAD v4.1: 1 of 1,613,894 alleles (0.000062%); highest among the groups gnomAD compares: East Asian, 0.0022%; no homozygotes.

Submission:

Labcorp Genetics (formerly Invitae), Labcorp
Classification: Uncertain significance for Intellectual disability, autosomal recessive 42. Last evaluated: 2022-02-23. Review status: criteria provided, single submitter. Criteria: Invitae Variant Classification Sherloc (09022015). Collection method: clinical testing. Allele origin: germline.
Comment: In summary, the available evidence is currently insufficient to determine the role of this variant in disease. Therefore, it has been classified as a Variant of Uncertain Significance. Variants that disrupt the consensus splice site are a relatively common cause of aberrant splicing (PMID: 17576681, 9536098). Algorithms developed to predict the effect of sequence changes on RNA splicing suggest that this variant is not likely to affect RNA splicing. This variant has not been reported in the literature in individuals affected with PGAP1-related conditions. This variant is present in population databases (no rsID available, gnomAD 0.0009%). This sequence change falls in intron 1 of the PGAP1 gene. It does not directly change the encoded amino acid sequence of the PGAP1 protein. It affects a nucleotide within the consensus splice site.

Literature cited by the submitters: PubMed 17576681; PubMed 9536098.

NM_024989.4(PGAP1):c.147+5G>C

Gene: PGAP1 (post-GPI attachment to proteins inositol deacylase 1; minus strand). Cytogenetic location: 2q33.1.
Variant type: single nucleotide variant.
Coding change: c.147+5G>C on transcript NM_024989.4 (MANE Select); 5 bases into the intron after coding-DNA position 147, G replaced by C.
Molecular consequence: intron variant.
Genome position (GRCh38, 1-based): chr2:196,926,465, C>G on the plus strand (G>C on the coding strand, the complement: PGAP1 is on the minus strand). VCF-style: chr2-196926465-C-G. GRCh37 (hg19) VCF-style: chr2-197791189-C-G.
Other names: c.-965+5G>C (NM_001321100.2); c.-460+5G>C (NM_001321099.2).
Identifiers: ClinVar variation 2090507 (VCV002090507.4), dbSNP rs1206369120, ClinGen allele CA538916444.